The following is an entry in ClinVar:

NM_033118.4(MYLK2):c.1694T>C (p.Met565Thr)

Gene: MYLK2 (myosin light chain kinase 2; plus strand). Cytogenetic location: 20q11.21.
Variant type: single nucleotide variant.
Coding change: c.1694T>C on transcript NM_033118.4 (MANE Select); coding-DNA position 1694, T replaced by C.
Protein change: p.Met565Thr; replaces methionine 565 with threonine.
Molecular consequence: missense variant.
Genome position (GRCh38, 1-based): chr20:31,832,120, T>C. VCF-style: chr20-31832120-T-C. GRCh37 (hg19) VCF-style: chr20-30419923-T-C.
Other names: short protein forms M565T.
Identifiers: ClinVar variation 164511 (VCV000164511.17), dbSNP rs727503306, ClinGen allele CA177212.

ClinVar aggregate classification (germline): Conflicting classifications of pathogenicity. Review status: criteria provided, conflicting classifications (1 of 4 stars). 4 submissions from 4 submitters: Uncertain significance (3); Likely benign (1). Last evaluated 2025-12-03.

Conditions:
Cardiomyopathy (CMYO). Also called: Cardiomyopathies. Identifiers: Orphanet 167848, MedGen C0878544, MONDO:0004994, HP:0001638. Inheritance: Various modes of inheritance.
Hypertrophic cardiomyopathy 1 (CMH1). Also called: MYH7-Related Familial Hypertrophic Cardiomyopathy; Familial hypertrophic cardiomyopathy 1. Identifiers: MedGen C3495498, MONDO:0008647, OMIM 192600.

Allele frequency attached by ClinVar (database versions not stated): gnomAD 0.00003; TOPMed 0.00003; gnomAD exomes 0.00006 and 0.00010; ExAC 0.00015.

Submissions (4):

Labcorp Genetics (formerly Invitae), Labcorp
Classification: Likely benign for Hypertrophic cardiomyopathy 1. Last evaluated: 2025-12-03. Review status: criteria provided, single submitter. Criteria: Invitae Variant Classification Sherloc (09022015). Collection method: clinical testing. Allele origin: germline.

Ambry Genetics
Classification: Uncertain significance. Last evaluated: 2025-05-14. Review status: criteria provided, single submitter. Criteria: Ambry Variant Classification Scheme 2023. Collection method: clinical testing. Allele origin: germline.

CHEO Genetics Diagnostic Laboratory, Children's Hospital of Eastern Ontario
Classification: Uncertain significance for Cardiomyopathy. Last evaluated: 2016-10-05. Review status: criteria provided, single submitter. Criteria: ACMG Guidelines, 2015. Collection method: clinical testing. Allele origin: germline. Study: Canadian Open Genetics Repository.

Laboratory for Molecular Medicine, Mass General Brigham Personalized Medicine
Classification: Uncertain significance. Last evaluated: 2013-10-15. Review status: criteria provided, single submitter. Criteria: LMM Criteria. Collection method: clinical testing. Allele origin: germline. Observed: 2 variant alleles.
Comment: Computational analyses (biochemical amin o acid properties, conservation, AlignGVGD, PolyPhen2, and SIFT) do not provide strong support for or against an impact to the protein. Additional information i s needed to fully assess the clinical significance of the Met565Thr variant.